The following is an entry in ClinVar:

NM_182961.4(SYNE1):c.495C>A (p.Ser165Arg)

Gene: SYNE1 (spectrin repeat containing nuclear envelope protein 1; minus strand). Cytogenetic location: 6q25.2.
Variant type: single nucleotide variant.
Coding change: c.495C>A on transcript NM_182961.4 (MANE Select); coding-DNA position 495, C replaced by A.
Protein change: p.Ser165Arg; replaces serine 165 with arginine.
Molecular consequence: missense variant.
Genome position (GRCh38, 1-based): chr6:152,510,279, G>T on the plus strand (C>A on the coding strand, the complement: SYNE1 is on the minus strand). VCF-style: chr6-152510279-G-T. GRCh37 (hg19) VCF-style: chr6-152831414-G-T.
Other names: c.516C>A, p.Ser172Arg (NM_033071.5); short protein forms S165R, S172R.
Identifiers: ClinVar variation 497076 (VCV000497076.13), dbSNP rs567913785, ClinGen allele CA4059714.

ClinVar aggregate classification (germline): Uncertain significance. Review status: criteria provided, multiple submitters, no conflicts (2 of 4 stars). 4 submissions from 4 submitters: Uncertain significance (4). Last evaluated 2024-01-08.

Conditions:
Emery-Dreifuss muscular dystrophy 4, autosomal dominant (EDMD4). Also called: EMERY-DREIFUSS MUSCULAR DYSTROPHY 4 WITH VARIABLE FEATURES. Identifiers: Orphanet 261, MedGen C2751807, MONDO:0013071, OMIM 612998.
Autosomal recessive ataxia, Beauce type. Also called: SYNE1-Related Autosomal Recessive Cerebellar Ataxia; Spinocerebellar ataxia, autosomal recessive 8; ATAXIA, RECESSIVE, OF BEAUCE; SYNE1 Deficiency. Identifiers: Orphanet 88644, MedGen C1853116, MONDO:0012549, OMIM 610743.

Allele frequency attached by ClinVar (database versions not stated): ExAC 0.00002; gnomAD 0.00003; TOPMed 0.00005; 1000 Genomes Project 0.00020; 1000 Genomes Project 30x 0.00031.
gnomAD v4.1: 15 of 1,614,028 alleles (0.00093%); highest among the groups gnomAD compares: African/African-American, 0.019%; no homozygotes.

Submissions (4):

Labcorp Genetics (formerly Invitae), Labcorp
Classification: Uncertain significance for Emery-Dreifuss muscular dystrophy 4, autosomal dominant; Autosomal recessive ataxia, Beauce type. Last evaluated: 2024-01-08. Review status: criteria provided, single submitter. Criteria: Invitae Variant Classification Sherloc (09022015). Collection method: clinical testing. Allele origin: germline.
Comment: This sequence change replaces serine, which is neutral and polar, with arginine, which is basic and polar, at codon 172 of the SYNE1 protein (p.Ser172Arg). This variant is present in population databases (rs567913785, gnomAD 0.01%). This variant has not been reported in the literature in individuals affected with SYNE1-related conditions. ClinVar contains an entry for this variant (Variation ID: 497076). An algorithm developed to predict the effect of missense changes on protein structure and function (PolyPhen-2) suggests that this variant is likely to be disruptive. In summary, the available evidence is currently insufficient to determine the role of this variant in disease. Therefore, it has been classified as a Variant of Uncertain Significance.

GeneDx
Classification: Uncertain significance. Last evaluated: 2022-06-03. Review status: criteria provided, single submitter. Criteria: GeneDx Variant Classification Process June 2021. Collection method: clinical testing. Allele origin: germline. Affected: yes.
Comment: Not observed at significant frequency in large population cohorts (gnomAD); In silico analysis supports that this missense variant has a deleterious effect on protein structure/function; Has not been previously published as pathogenic or benign to our knowledge

Revvity Omics, Revvity
Classification: Uncertain significance. Last evaluated: 2022-03-21. Review status: criteria provided, single submitter. Criteria: ACMG Guidelines, 2015. Collection method: clinical testing. Allele origin: germline.

Eurofins Ntd Llc (ga)
Classification: Uncertain significance. Last evaluated: 2016-10-25. Review status: criteria provided, single submitter. Criteria: EGL Classification Definitions 2015. Collection method: clinical testing. Allele origin: germline. Observed: 1 variant allele, 1 heterozygote.